The following is an entry in ClinVar:

ClinVar aggregate classification (germline): Uncertain significance. Review status: criteria provided, multiple submitters, no conflicts (2 of 4 stars). 2 submissions from 2 submitters: Uncertain significance (2). Last evaluated 2026-04-30.

Conditions:
Cardiovascular phenotype. Identifiers: MedGen CN230736.
Hypertrophic cardiomyopathy. Also called: HYPERTROPHIC MYOCARDIOPATHY. Identifiers: Orphanet 217569, MedGen C0007194, MeSH D002312, MONDO:0005045, HP:0001639.

Submissions (2):

Ambry Genetics
Classification: Uncertain significance for Cardiovascular phenotype. Last evaluated: 2026-04-30. Review status: criteria provided, single submitter. Criteria: Ambry Variant Classification Scheme 2023. Collection method: clinical testing. Allele origin: germline.
Comment: The c.3814+1G>C intronic variant results from a G to C substitution one nucleotide after coding exon 33 of the MYBPC3 gene. This variant was reported in individual(s) with features consistent with hypertrophic cardiomyopathy (Hag&egrave;ge A et al. Int J Cardiol. 2025 Jan;419:132692; Ambry internal data). Variants that disrupt the canonical splice site are expected to result in aberrant splicing. In silico splice site analysis predicts that this alteration will weaken the native splice donor site and may result in the creation or strengthening of a novel splice donor site. A resulting transcript is predicted to be in-frame and is not expected to trigger nonsense-mediated mRNA decay; although, direct evidence is unavailable. This nucleotide position is highly conserved in available vertebrate species. Based on the available evidence, the clinical significance of this variant remains unclear.

Labcorp Genetics (formerly Invitae), Labcorp
Classification: Uncertain significance for Hypertrophic cardiomyopathy. Last evaluated: 2022-07-19. Review status: criteria provided, single submitter. Criteria: Invitae Variant Classification Sherloc (09022015). Collection method: clinical testing. Allele origin: germline.
Comment: In summary, the available evidence is currently insufficient to determine the role of this variant in disease. Therefore, it has been classified as a Variant of Uncertain Significance. Variants that disrupt the consensus splice site are a relatively common cause of aberrant splicing (PMID: 17576681, 9536098). Algorithms developed to predict the effect of sequence changes on RNA splicing suggest that this variant may disrupt the consensus splice site. ClinVar contains an entry for this variant (Variation ID: 1365700). Disruption of this splice site has been observed in individual(s) with hypertrophic cardiomyopathy (PMID: 25132132). This variant is not present in population databases (gnomAD no frequency). This sequence change affects a donor splice site in intron 33 of the MYBPC3 gene. While this variant is not anticipated to result in nonsense mediated decay, it likely alters RNA splicing and results in a disrupted protein product.

Literature cited by the submitters: PubMed 39514999 (cited by Ambry Genetics); PubMed 17576681 (cited by Labcorp Genetics (formerly Invitae), Labcorp); PubMed 9536098 (cited by Labcorp Genetics (formerly Invitae), Labcorp); PubMed 25132132 (cited by Labcorp Genetics (formerly Invitae), Labcorp).

NM_000256.3(MYBPC3):c.3814+1G>C

Gene: MYBPC3 (myosin binding protein C3; minus strand). Cytogenetic location: 11p11.2.
Variant type: single nucleotide variant.
Coding change: c.3814+1G>C on transcript NM_000256.3 (MANE Select); the canonical splice donor site of the intron after coding-DNA position 3814, G replaced by C.
Molecular consequence: splice donor variant.
Genome position (GRCh38, 1-based): chr11:47,332,071, C>G on the plus strand (G>C on the coding strand, the complement: MYBPC3 is on the minus strand). VCF-style: chr11-47332071-C-G. GRCh37 (hg19) VCF-style: chr11-47353622-C-G.
Identifiers: ClinVar variation 1365700 (VCV001365700.9), dbSNP rs1057521823, ClinGen allele CA380309526.